The following is an entry in ClinVar:

NM_000088.4(COL1A1):c.4362C>T (p.Phe1454=)

Gene: COL1A1 (collagen type I alpha 1 chain; minus strand). Cytogenetic location: 17q21.33.
Variant type: single nucleotide variant.
Coding change: c.4362C>T on transcript NM_000088.4 (MANE Select); coding-DNA position 4362, C replaced by T.
Protein change: p.Phe1454=; no amino-acid change (phenylalanine 1454 retained).
Molecular consequence: synonymous variant.
Genome position (GRCh38, 1-based): chr17:50,185,535, G>A on the plus strand (C>T on the coding strand, the complement: COL1A1 is on the minus strand). VCF-style: chr17-50185535-G-A. GRCh37 (hg19) VCF-style: chr17-48262896-G-A.
Identifiers: ClinVar variation 514301 (VCV000514301.5), dbSNP rs758524007, ClinGen allele CA8644175.

ClinVar aggregate classification (germline): Benign/Likely benign. Review status: criteria provided, multiple submitters, no conflicts (2 of 4 stars). 5 submissions from 5 submitters: Benign (1); Likely benign (4). Last evaluated 2026-03-21.

Conditions:
COL1A1-related disorder. Also called: COL1A1- related disease; COL1A1-related condition.
Cardiovascular phenotype. Identifiers: MedGen CN230736.
Osteogenesis imperfecta type I (OI1). Also called: OSTEOGENESIS IMPERFECTA WITH BLUE SCLERAE; Osteogenesis imperfecta type 1; Lobstein's Disease; OI, TYPE I; OSTEOGENESIS IMPERFECTA TARDA; Classic Non-deforming Osteogenesis Imperfecta with Blue Sclerae. Identifiers: Orphanet 216796, Orphanet 666, MedGen C0023931, MONDO:0008146, OMIM 166200. Disease mechanism: loss of function.

Allele frequency attached by ClinVar (database versions not stated): gnomAD exomes 0.00001 and 0.00004; ExAC 0.00002; TOPMed 0.00002.

Submissions (5):

Ambry Genetics
Classification: Likely benign for Cardiovascular phenotype. Last evaluated: 2026-03-21. Review status: criteria provided, single submitter. Criteria: Ambry Variant Classification Scheme 2023. Collection method: clinical testing. Allele origin: germline.

Labcorp Genetics (formerly Invitae), Labcorp
Classification: Benign for Osteogenesis imperfecta type I. Last evaluated: 2025-04-22. Review status: criteria provided, single submitter. Criteria: Invitae Variant Classification Sherloc (09022015). Collection method: clinical testing. Allele origin: germline.

PreventionGenetics, part of Exact Sciences
Classification: Likely benign for COL1A1-related condition. Last evaluated: 2025-01-03. Review status: criteria provided, single submitter. Criteria: ACMG Guidelines, 2015. Collection method: clinical testing. Allele origin: germline.
Comment: This variant is classified as likely benign based on ACMG/AMP sequence variant interpretation guidelines (Richards et al. 2015 PMID: 25741868, with internal and published modifications).

Athena Diagnostics
Classification: Likely benign. Last evaluated: 2023-11-01. Review status: criteria provided, single submitter. Criteria: Athena Diagnostics Criteria. Collection method: clinical testing. Allele origin: unknown.

GeneDx
Classification: Likely benign. Last evaluated: 2017-12-29. Review status: criteria provided, single submitter. Criteria: GeneDx Variant Classification (06012015). Collection method: clinical testing. Allele origin: germline. Affected: yes.
Comment: This variant is considered likely benign or benign based on one or more of the following criteria: it is a conservative change, it occurs at a poorly conserved position in the protein, it is predicted to be benign by multiple in silico algorithms, and/or has population frequency not consistent with disease.